The following is an entry in ClinVar:

NM_017617.5(NOTCH1):c.6049_6050del (p.Ser2017fs)

Genes: NOTCH1 (notch receptor 1; minus strand), LOC126860794 (BRD4-independent group 4 enhancer GRCh37_chr9:139392592-139393791; plus strand). Cytogenetic location: 9q34.3.
Variant type: Deletion.
Coding change: c.6049_6050del on transcript NM_017617.5 (MANE Select); coding-DNA positions 6049 to 6050, 2 bases deleted (TC; older notation c.6049_6050delTC).
Protein change: p.Ser2017fs; shifts the reading frame from serine 2017.
Molecular consequence: frameshift variant.
Genome position (GRCh38, 1-based): chr9:136,499,144-136,499,145, GA deleted on the plus strand (TC on the coding strand, the reverse complement: NOTCH1 is on the minus strand); deleting any 2 consecutive bases within chr9:136,499,144-136,499,146 gives the same sequence; the c. name uses the placement nearest the transcript's 3' end. VCF-style (leftmost placement, unchanged base first): chr9-136499143-TGA-T. GRCh37 (hg19) VCF-style: chr9-139393595-TGA-T.
Other names: c.6049_6050del, p.Ser2017fs (LRG_1122t1); c.6049_6050delTC (NM_017617.3); c.6049_6050del (NM_017617.3); short protein forms S2017fs.
Identifiers: ClinVar variation 219383 (VCV000219383.2), dbSNP rs864622063, ClinGen allele CA350398.

ClinVar aggregate classification (germline): Pathogenic. Review status: criteria provided, multiple submitters, no conflicts (2 of 4 stars). 3 submissions from 3 submitters: Pathogenic (2). 1 of the submissions does not count toward it. Last evaluated 2024-04-16.

Conditions:
Adams-Oliver syndrome 5 (AOS5). Identifiers: Orphanet 974, MedGen C4014970, MONDO:0014459, OMIM 616028.

Submissions (3):

GeneDx
Classification: Pathogenic. Last evaluated: 2024-04-16. Review status: criteria provided, single submitter. Criteria: GeneDx Variant Classification Process June 2021. Collection method: clinical testing. Allele origin: germline. Affected: yes.
Comment: Frameshift variant predicted to result in protein truncation or nonsense mediated decay in a gene for which loss of function is a known mechanism of disease; Not observed at significant frequency in large population cohorts (gnomAD); This variant is associated with the following publications: (PMID: 25963545)

Molecular and Medical Genetics Group, King's College London
Classification: Pathogenic for Adams-Oliver syndrome 5. Last evaluated: 2014-01-07. Review status: criteria provided, single submitter. Criteria: Submitter's publication. Collection method: research. Allele origin: germline. Affected: yes.

OMIM
Classification: Pathogenic for ADAMS-OLIVER SYNDROME 5. Last evaluated: 2016-01-30. Review status: no assertion criteria provided. Collection method: literature only. Allele origin: germline. Not counted in ClinVar's aggregate classification.

Literature cited by the submitters: PubMed 1621771 (cited by OMIM); PubMed 25963545 (cited by OMIM).